The following is an entry in ClinVar:

NM_001200.4(BMP2):c.1040C>T (p.Thr347Met)

Gene: BMP2 (bone morphogenetic protein 2; plus strand). Cytogenetic location: 20p12.3.
Variant type: single nucleotide variant.
Coding change: c.1040C>T on transcript NM_001200.4 (MANE Select); coding-DNA position 1040, C replaced by T.
Protein change: p.Thr347Met; replaces threonine 347 with methionine.
Molecular consequence: missense variant.
Genome position (GRCh38, 1-based): chr20:6,778,938, C>T. VCF-style: chr20-6778938-C-T. GRCh37 (hg19) VCF-style: chr20-6759585-C-T.
Other names: short protein forms T347M.
Identifiers: ClinVar variation 747463 (VCV000747463.15), dbSNP rs148745143, ClinGen allele CA9758776.

ClinVar aggregate classification (germline): Likely benign. Review status: criteria provided, multiple submitters, no conflicts (2 of 4 stars). 4 submissions from 4 submitters: Likely benign (3). 1 of the submissions does not count toward it. Last evaluated 2024-06-21.

Conditions:
BMP2-related disorder. Also called: BMP2-related condition.

Allele frequency attached by ClinVar (database versions not stated): gnomAD exomes 0.00006 and 0.00019; ExAC 0.00029; 1000 Genomes Project 30x 0.00047; 1000 Genomes Project 0.00060; gnomAD 0.00068 and 0.00074; TOPMed 0.00071; ESP Exome Variant Server 0.00085.
gnomAD v4.1: 189 of 1,613,906 alleles (0.012%); highest among the groups gnomAD compares: African/African-American, 0.23%; no homozygotes.

Submissions (4):

Blueprint Genetics
Classification: Likely benign. Last evaluated: 2024-06-21. Review status: criteria provided, single submitter. Criteria: ACMG Guidelines, 2015. Collection method: clinical testing. Allele origin: germline.

Labcorp Genetics (formerly Invitae), Labcorp
Classification: Likely benign. Last evaluated: 2024-05-23. Review status: criteria provided, single submitter. Criteria: Invitae Variant Classification Sherloc (09022015). Collection method: clinical testing. Allele origin: germline.

Breakthrough Genomics
Classification: Likely benign. Review status: criteria provided, single submitter. Criteria: ACMG Guidelines, 2015. Collection method: not provided. Allele origin: germline. Inheritance: Autosomal recessive inheritance. Affected: yes.

PreventionGenetics, part of Exact Sciences
Classification: Likely benign for BMP2-related condition. Last evaluated: 2021-02-23. Review status: no assertion criteria provided. Collection method: clinical testing. Allele origin: germline. Not counted in ClinVar's aggregate classification.
Comment: This variant is classified as likely benign based on ACMG/AMP sequence variant interpretation guidelines (Richards et al. 2015 PMID: 25741868, with internal and published modifications).